The following is an entry in ClinVar:

ClinVar aggregate classification (germline): Pathogenic (1 of 4 stars; one submission).

Conditions:
Lynch syndrome 5 (LYNCH5). Also called: Hereditary non-polyposis colorectal cancer, type 5; Colorectal cancer, hereditary nonpolyposis, type 5. Identifiers: Orphanet 144, MedGen C1833477, MONDO:0013710, OMIM 614350. Disease mechanism: loss of function.

Submission:

Myriad Genetics, Inc.
Classification: Pathogenic for Lynch syndrome 5. Last evaluated: 2024-04-01. Review status: criteria provided, single submitter. Criteria: Myriad Autosomal Dominant, Autosomal Recessive and X-Linked Classification Criteria (2023). Collection method: clinical testing. Allele origin: unknown.
Comment: This variant is considered pathogenic. This variant creates a frameshift predicted to result in premature protein truncation.

NM_000179.3(MSH6):c.3604_3605del (p.Met1202fs)

Gene: MSH6 (mutS homolog 6; plus strand). Cytogenetic location: 2p16.3.
Variant type: Deletion.
Coding change: c.3604_3605del on transcript NM_000179.3 (MANE Select); coding-DNA positions 3604 to 3605, 2 bases deleted (AT; older notation c.3604_3605delAT).
Protein change: p.Met1202fs; shifts the reading frame from methionine 1202.
Molecular consequence: frameshift variant. On other transcripts: non-coding transcript variant (5).
Genome position (GRCh38, 1-based): chr2:47,805,665-47,805,666, AT deleted. VCF-style (leftmost placement, unchanged base first): chr2-47805664-CAT-C. GRCh37 (hg19) VCF-style: chr2-48032803-CAT-C.
Other names: c.3214_3215del, p.Met1072fs (NM_001281492.2); c.2698_2699del, p.Met900fs (NM_001281493.2, NM_001281494.2, NM_001406811.1 and 6 more transcripts); c.3700_3701del, p.Met1234fs (NM_001406795.1, NM_001406802.1); c.3604_3605del, p.Met1202fs (NM_001406796.1, NM_001406800.1, NM_001406808.1 and 1 more transcripts); c.3307_3308del, p.Met1103fs (NM_001406797.1, NM_001406801.1, NM_001406805.1 and 10 more transcripts); c.3430_3431del, p.Met1144fs (NM_001406798.1); c.3079_3080del, p.Met1027fs (NM_001406799.1, NM_001406806.1, NM_001406807.1); c.2740_2741del, p.Met914fs (NM_001406803.1); and 7 more; short protein forms M1027fs, M1072fs, M1103fs, M1144fs, M1146fs, M1176fs, M1202fs, M1204fs.
Identifiers: ClinVar variation 3254026 (VCV003254026.1), dbSNP rs2530823968.